The following is an entry in ClinVar:

NM_019098.5(CNGB3):c.906G>A (p.Leu302=)

Gene: CNGB3 (cyclic nucleotide gated channel subunit beta 3; minus strand). Cytogenetic location: 8q21.3.
Variant type: single nucleotide variant.
Coding change: c.906G>A on transcript NM_019098.5 (MANE Select); coding-DNA position 906, G replaced by A.
Protein change: p.Leu302=; no amino-acid change (leucine 302 retained).
Molecular consequence: synonymous variant.
Genome position (GRCh38, 1-based): chr8:86,647,885, C>T on the plus strand (G>A on the coding strand, the complement: CNGB3 is on the minus strand). VCF-style: chr8-86647885-C-T. GRCh37 (hg19) VCF-style: chr8-87660113-C-T.
Identifiers: ClinVar variation 2188982 (VCV002188982.4), dbSNP rs528004507, ClinGen allele CA4800222.

ClinVar aggregate classification (germline): Uncertain significance (1 of 4 stars; one submission).

Allele frequency attached by ClinVar (database versions not stated): gnomAD exomes below 0.00001; ExAC 0.00001.
gnomAD v4.1: 2 of 1,580,592 alleles (0.00013%); highest among the groups gnomAD compares: African/African-American, 0.0013%; no homozygotes.

Submission:

Labcorp Genetics (formerly Invitae), Labcorp
Classification: Uncertain significance. Last evaluated: 2023-11-27. Review status: criteria provided, single submitter. Criteria: Invitae Variant Classification Sherloc (09022015). Collection method: clinical testing. Allele origin: germline.
Comment: This sequence change affects codon 302 of the CNGB3 mRNA. It is a 'silent' change, meaning that it does not change the encoded amino acid sequence of the CNGB3 protein. This variant is present in population databases (rs528004507, gnomAD 0.007%). This variant has not been reported in the literature in individuals affected with CNGB3-related conditions. ClinVar contains an entry for this variant (Variation ID: 2188982). Algorithms developed to predict the effect of sequence changes on RNA splicing suggest that this variant may disrupt the consensus splice site. In summary, the available evidence is currently insufficient to determine the role of this variant in disease. Therefore, it has been classified as a Variant of Uncertain Significance.